The following is an entry in ClinVar:

NM_000138.5(FBN1):c.2756G>T (p.Gly919Val)

Gene: FBN1 (fibrillin 1; minus strand). Cytogenetic location: 15q21.1.
Variant type: single nucleotide variant.
Coding change: c.2756G>T on transcript NM_000138.5 (MANE Select); coding-DNA position 2756, G replaced by T.
Protein change: p.Gly919Val; replaces glycine 919 with valine.
Molecular consequence: missense variant.
Genome position (GRCh38, 1-based): chr15:48,492,559, C>A on the plus strand (G>T on the coding strand, the complement: FBN1 is on the minus strand). VCF-style: chr15-48492559-C-A. GRCh37 (hg19) VCF-style: chr15-48784756-C-A.
Other names: c.2756G>T, p.Gly919Val (NM_001406716.1); short protein forms G919V.
Identifiers: ClinVar variation 3750079 (VCV003750079.2).

ClinVar aggregate classification (germline): Uncertain significance (1 of 4 stars; one submission).

Conditions:
Marfan syndrome (MFS). Also called: MARFAN SYNDROME, TYPE I; Marfan syndrome type 1; Marfan's syndrome; Marfan syndrome, classic; FBN1-Related Marfan Syndrome. Identifiers: Orphanet 284963, Orphanet 558, MedGen C0024796, MONDO:0007947, OMIM 154700.
Familial thoracic aortic aneurysm and aortic dissection (TAAD). Also called: Thoracic aortic aneurysms and dissections. Identifiers: Orphanet 91387, MedGen C4707243, MONDO:0019625.

Submission:

Labcorp Genetics (formerly Invitae), Labcorp
Classification: Uncertain significance for Marfan syndrome; Familial thoracic aortic aneurysm and aortic dissection. Last evaluated: 2024-01-25. Review status: criteria provided, single submitter. Criteria: Invitae Variant Classification Sherloc (09022015). Collection method: clinical testing. Allele origin: germline.
Comment: This sequence change replaces glycine, which is neutral and non-polar, with valine, which is neutral and non-polar, at codon 919 of the FBN1 protein (p.Gly919Val). This variant is not present in population databases (gnomAD no frequency). This variant has not been reported in the literature in individuals affected with FBN1-related conditions. Advanced modeling of protein sequence and biophysical properties (such as structural, functional, and spatial information, amino acid conservation, physicochemical variation, residue mobility, and thermodynamic stability) performed at Invitae indicates that this missense variant is expected to disrupt FBN1 protein function with a positive predictive value of 95%. In summary, the available evidence is currently insufficient to determine the role of this variant in disease. Therefore, it has been classified as a Variant of Uncertain Significance.